The following is an entry in ClinVar:

ClinVar aggregate classification (germline): Uncertain significance (1 of 4 stars; one submission).

Conditions:
Clark-Baraitser syndrome. Also called: BARAITSER SYNDROME; Mental retardation, tall stature, obesity, macrocephaly and typical facial features; Intellectual disability, autosomal dominant 49; MENTAL RETARDATION, AUTOSOMAL DOMINANT 49. Identifiers: Orphanet 600731, MedGen C2931130, MONDO:0030914, OMIM 617752.

Allele frequency attached by ClinVar (database versions not stated): gnomAD exomes 0.00001 and 0.00003; gnomAD 0.00003; TOPMed 0.00002; ExAC 0.00002.
gnomAD v4.1: 49 of 1,614,080 alleles (0.003%); highest among the groups gnomAD compares: Non-Finnish European, 0.0036%; no homozygotes.

Submission:

Baylor Genetics
Classification: Uncertain significance for Clark-Baraitser syndrome. Last evaluated: 2019-06-06. Review status: criteria provided, single submitter. Criteria: ACMG Guidelines, 2015. Collection method: clinical testing. Allele origin: unknown. Affected: yes.
Comment: This variant was determined to be of uncertain significance according to ACMG Guidelines, 2015 [PMID:25741868].

NM_001348323.3(TRIP12):c.703A>G (p.Ile235Val)

Gene: TRIP12 (thyroid hormone receptor interactor 12; minus strand). Cytogenetic location: 2q36.3.
Variant type: single nucleotide variant.
Coding change: c.703A>G on transcript NM_001348323.3 (MANE Select); coding-DNA position 703, A replaced by G.
Protein change: p.Ile235Val; replaces isoleucine 235 with valine.
Molecular consequence: missense variant. On other transcripts: intron variant (1).
Genome position (GRCh38, 1-based): chr2:229,859,096, T>C on the plus strand (A>G on the coding strand, the complement: TRIP12 is on the minus strand). VCF-style: chr2-229859096-T-C. GRCh37 (hg19) VCF-style: chr2-230723812-T-C.
Other names: c.703A>G, p.Ile235Val (NM_001284214.2, NM_001348315.2, NM_001348319.1 and 15 more transcripts); c.577A>G, p.Ile193Val (NM_001284215.2, NM_001348316.2, NM_001348317.1 and 3 more transcripts); c.98+20886A>G (NM_001284216.2); short protein forms I193V, I235V.
Identifiers: ClinVar variation 1028709 (VCV001028709.1), dbSNP rs780999801, ClinGen allele CA2153471.
Genomic context (GRCh38, chr2:229,859,096, plus strand): 5'-AGGCCGAGGCTACAGCAGAAGACGAGGAGGAAGTAGAGGCAGCAGAAGAAGAATCAGTGA[T>C]GGTGCTACACCCAGCTTTGGCTGAGGTGGCTGATTTTGAAGCCAGCTTGGTAGGTTTCGC-3'
Protein context (NP_001335252.1, residues 225-245): ATSAKAGCST[Ile235Val]TDSSSAASTS